The following is an entry in ClinVar:

NM_001012339.3(DNAJC21):c.175C>T (p.Pro59Ser)

Gene: DNAJC21 (DnaJ heat shock protein family (Hsp40) member C21; plus strand). Cytogenetic location: 5p13.2.
Variant type: single nucleotide variant.
Coding change: c.175C>T on transcript NM_001012339.3 (MANE Select); coding-DNA position 175, C replaced by T.
Protein change: p.Pro59Ser; replaces proline 59 with serine.
Molecular consequence: missense variant.
Genome position (GRCh38, 1-based): chr5:34,933,892, C>T. VCF-style: chr5-34933892-C-T. GRCh37 (hg19) VCF-style: chr5-34933997-C-T.
Other names: c.175C>T, p.Pro59Ser (NM_001348420.2, NM_194283.4); short protein forms P59S.
Identifiers: ClinVar variation 1390276 (VCV001390276.8), dbSNP rs748124607, ClinGen allele CA359412094.

ClinVar aggregate classification (germline): Uncertain significance (1 of 4 stars; one submission).

Submission:

Labcorp Genetics (formerly Invitae), Labcorp
Classification: Uncertain significance. Last evaluated: 2023-10-13. Review status: criteria provided, single submitter. Criteria: Invitae Variant Classification Sherloc (09022015). Collection method: clinical testing. Allele origin: germline.
Comment: This sequence change replaces proline, which is neutral and non-polar, with serine, which is neutral and polar, at codon 59 of the DNAJC21 protein (p.Pro59Ser). This variant is not present in population databases (gnomAD no frequency). This variant has not been reported in the literature in individuals affected with DNAJC21-related conditions. ClinVar contains an entry for this variant (Variation ID: 1390276). An algorithm developed to predict the effect of missense changes on protein structure and function (PolyPhen-2) suggests that this variant is likely to be disruptive. In summary, the available evidence is currently insufficient to determine the role of this variant in disease. Therefore, it has been classified as a Variant of Uncertain Significance.